The following is an entry in ClinVar:

ClinVar aggregate classification (germline): Uncertain significance (1 of 4 stars; one submission).

Conditions:
Early-infantile DEE. Also called: Early infantile epileptic encephalopathy with suppression bursts; Ohtahara syndrome; Early infantile epileptic encephalopathy. Identifiers: Orphanet 1934, MedGen C0393706, MONDO:0800491.

Allele frequency attached by ClinVar (database versions not stated): gnomAD below 0.00001 and 0.00001; gnomAD exomes below 0.00001 and 0.00001; ExAC 0.00002.
gnomAD v4.1: 13 of 1,600,004 alleles (0.00081%); highest among the groups gnomAD compares: South Asian, 0.012%; no homozygotes.

Submission:

Labcorp Genetics (formerly Invitae), Labcorp
Classification: Uncertain significance for Early-infantile DEE. Last evaluated: 2022-02-04. Review status: criteria provided, single submitter. Criteria: Invitae Variant Classification Sherloc (09022015). Collection method: clinical testing. Allele origin: germline.
Comment: In summary, the available evidence is currently insufficient to determine the role of this variant in disease. Therefore, it has been classified as a Variant of Uncertain Significance. Variants that disrupt the consensus splice site are a relatively common cause of aberrant splicing (PMID: 17576681, 9536098). Algorithms developed to predict the effect of sequence changes on RNA splicing suggest that this variant is not likely to affect RNA splicing. ClinVar contains an entry for this variant (Variation ID: 1002696). This variant has not been reported in the literature in individuals affected with ARHGEF15-related conditions. This variant is present in population databases (rs768630250, gnomAD 0.004%). This sequence change falls in intron 14 of the ARHGEF15 gene. It does not directly change the encoded amino acid sequence of the ARHGEF15 protein. It affects a nucleotide within the consensus splice site.

Literature cited by the submitters: PubMed 17576681; PubMed 9536098.

NM_173728.4(ARHGEF15):c.2270-3C>T

Gene: ARHGEF15 (Rho guanine nucleotide exchange factor 15; plus strand). Cytogenetic location: 17p13.1.
Variant type: single nucleotide variant.
Coding change: c.2270-3C>T on transcript NM_173728.4 (MANE Select); 3 bases into the intron before coding-DNA position 2270, C replaced by T.
Molecular consequence: intron variant.
Genome position (GRCh38, 1-based): chr17:8,319,496, C>T. VCF-style: chr17-8319496-C-T. GRCh37 (hg19) VCF-style: chr17-8222814-C-T.
Other names: c.2270-3C>T (NM_025014.2).
Identifiers: ClinVar variation 1002696 (VCV001002696.9), dbSNP rs768630250, ClinGen allele CA8375485.
Genomic context (GRCh38, chr17:8,319,496, plus strand): 5'-TCTTAGAGGAATATGGGGGAGAAGCTAAACAGAATCACTTTAATGTCACCCACCCCCAAC[C>T]AGACTGTTCCCAGGAACTGTGTTCAGAGTCGTCTGCACCTGCCAAGACTGAAGGACGGAG-3'